The following is an entry in ClinVar:

NC_000007.14:g.156763947A>T

Genes: LMBR1 (limb development membrane protein 1; minus strand), SHH (sonic hedgehog signaling molecule; minus strand). Cytogenetic location: 7q36.3.
Variant type: single nucleotide variant.
Molecular consequence: intron variant (on NM_022458.4).
Genome position: GRCh38 VCF-style: chr7-156763947-A-T. GRCh37 (hg19) VCF-style: chr7-156556641-A-T.
Other names: c.361-152T>A (NM_001363412.2); c.145-152T>A (NM_001350954.2); c.424-152T>A (NM_001363410.2, NM_022458.4, NM_001363409.2 and 1 more transcripts); c.-33-152T>A (NM_001350958.2, NM_001350956.2, NM_001350955.2 and 1 more transcripts); c.55-152T>A (NM_001350957.2, NM_001363411.2).
Identifiers: ClinVar variation 2806607 (VCV002806607.3), dbSNP rs2535770628, ClinGen allele CA2685817307.

ClinVar aggregate classification (germline): Uncertain significance (1 of 4 stars; one submission).

Conditions:
Holoprosencephaly 3 (HPE3). Identifiers: Orphanet 2162, MedGen C1840529, MONDO:0007733, OMIM 142945.

Submission:

Labcorp Genetics (formerly Invitae), Labcorp
Classification: Uncertain significance for Holoprosencephaly 3. Last evaluated: 2022-11-03. Review status: criteria provided, single submitter. Criteria: Invitae Variant Classification Sherloc (09022015). Collection method: clinical testing. Allele origin: germline.
Comment: In summary, the available evidence is currently insufficient to determine the role of this variant in disease. Therefore, it has been classified as a Variant of Uncertain Significance. Experimental studies and prediction algorithms are not available or were not evaluated, and the functional significance of this variant is currently unknown. This variant has not been reported in the literature in individuals affected with SHH-related conditions. This variant is not present in population databases (gnomAD no frequency). This variant occurs in a non-coding region of the SHH gene. It does not change the encoded amino acid sequence of the SHH protein.